The following is an entry in ClinVar:

NM_001164508.2(NEB):c.4908_4912del (p.Ala1637fs)

Gene: NEB (nebulin; minus strand). Cytogenetic location: 2q23.3.
Variant type: Deletion.
Coding change: c.4908_4912del on transcript NM_001164508.2 (MANE Select); coding-DNA positions 4908 to 4912, 5 bases deleted (TGCAA; older notation c.4908_4912delTGCAA).
Protein change: p.Ala1637fs; shifts the reading frame from alanine 1637.
Molecular consequence: frameshift variant.
Genome position (GRCh38, 1-based): chr2:151,666,209-151,666,213, TTGCA deleted on the plus strand (TGCAA on the coding strand, the reverse complement: NEB is on the minus strand). VCF-style (leftmost placement, unchanged base first): chr2-151666208-TTTGCA-T. GRCh37 (hg19) VCF-style: chr2-152522722-TTTGCA-T.
Other names: c.4908_4912del, p.Ala1637fs (NM_001164507.2, NM_001271208.2, NM_004543.5); short protein forms A1637fs.
Identifiers: ClinVar variation 1726437 (VCV001726437.2), dbSNP rs2552258231, ClinGen allele CA2580064092.
Genomic context (GRCh38, chr2:151,666,208, plus strand): 5'-AGAGTGTAGTGGTGGTATGACTGTCTGTAGTTGGCGTTGGTGGCAACCTCCTGAGATTTC[TTTGCA>T]GCTGTCACACTGACCATATCCAGAGGTGTGTGGTACTTGGTCTTGCTGGCTTCATAGCCC-3'

ClinVar aggregate classification (germline): Likely pathogenic (1 of 4 stars; one submission).

Conditions:
Nemaline myopathy 2 (NEM2). Also called: Nemaline myopathy 2, autosomal recessive. Identifiers: MedGen C1850569, MONDO:0009725, OMIM 256030.

Submission:

Myriad Genetics, Inc.
Classification: Likely pathogenic for Nemaline myopathy 2. Last evaluated: 2021-12-17. Review status: criteria provided, single submitter. Criteria: Myriad Women's Health Autosomal Recessive and X-Linked Classification Criteria (2021). Collection method: clinical testing. Allele origin: unknown.
Comment: NM_001271208.1(NEB):c.4908_4912del5(A1637Efs*39) is expected to be pathogenic in the context of NEB-related nemaline myopathy. This variant is predicted to lead to an abnormal or absent protein product due to the creation of a premature termination codon in NEB, a gene where loss-of-function variants are known to be pathogenic. Please note: this variant was assessed in the context of healthy population screening.